The following is an entry in ClinVar:

ClinVar aggregate classification (germline): Benign/Likely benign. Review status: criteria provided, multiple submitters, no conflicts (2 of 4 stars). 4 submissions from 4 submitters: Benign (1); Likely benign (3). Last evaluated 2025-07-17.

Conditions:
Hereditary cancer-predisposing syndrome. Also called: Hereditary Cancer Syndrome; Neoplastic Syndromes, Hereditary; Tumor predisposition; Hereditary neoplastic syndrome. Identifiers: Orphanet 140162, MedGen C0027672, MeSH D009386, MONDO:0015356.
BAP1-related tumor predisposition syndrome (TPDS1). Also called: Tumor susceptibility linked to germline BAP1 mutations; BAP1 tumor predisposition syndrome; COMMON Syndrome; TUMOR PREDISPOSITION SYNDROME 1. Identifiers: Orphanet 289539, MedGen C3280492, MONDO:0013692, OMIM 614327.

Allele frequency attached by ClinVar (database versions not stated): TOPMed 0.00002.
gnomAD v4.1: 2 of 1,614,022 alleles (0.00012%); highest among the groups gnomAD compares: African/African-American, 0.0027%; no homozygotes.

Submissions (4):

Labcorp Genetics (formerly Invitae), Labcorp
Classification: Likely benign for BAP1-related tumor predisposition syndrome. Last evaluated: 2025-07-17. Review status: criteria provided, single submitter. Criteria: Invitae Variant Classification Sherloc (09022015). Collection method: clinical testing. Allele origin: germline.

Myriad Genetics, Inc.
Classification: Benign for BAP1-related tumor predisposition syndrome. Last evaluated: 2024-07-11. Review status: criteria provided, single submitter. Criteria: Myriad Autosomal Dominant, Autosomal Recessive and X-Linked Classification Criteria (2023). Collection method: clinical testing. Allele origin: unknown.
Comment: This variant is considered benign. This variant is a silent/synonymous amino acid change and it is not expected to impact splicing.

Ambry Genetics
Classification: Likely benign for Hereditary cancer-predisposing syndrome. Last evaluated: 2019-06-20. Review status: criteria provided, single submitter. Criteria: Ambry Variant Classification Scheme 2023. Collection method: clinical testing. Allele origin: germline.

Color Diagnostics, LLC DBA Color Health
Classification: Likely benign for Hereditary cancer-predisposing syndrome. Last evaluated: 2017-06-24. Review status: criteria provided, single submitter. Criteria: ACMG Guidelines, 2015. Collection method: clinical testing. Allele origin: germline.

NM_004656.4(BAP1):c.96C>T (p.Ile32=)

Gene: BAP1 (BRCA1 associated deubiquitinase 1; minus strand). Cytogenetic location: 3p21.1.
Variant type: single nucleotide variant.
Coding change: c.96C>T on transcript NM_004656.4 (MANE Select); coding-DNA position 96, C replaced by T.
Protein change: p.Ile32=; no amino-acid change (isoleucine 32 retained).
Molecular consequence: synonymous variant.
Genome position (GRCh38, 1-based): chr3:52,409,580, G>A on the plus strand (C>T on the coding strand, the complement: BAP1 is on the minus strand). VCF-style: chr3-52409580-G-A. GRCh37 (hg19) VCF-style: chr3-52443596-G-A.
Identifiers: ClinVar variation 490912 (VCV000490912.14), dbSNP rs1223222289, ClinGen allele CA433778583.